The following is an entry in ClinVar:

ClinVar aggregate classification (germline): Uncertain significance. Review status: criteria provided, multiple submitters, no conflicts (2 of 4 stars). 2 submissions from 2 submitters: Uncertain significance (2). Last evaluated 2025-10-26.

Conditions:
Familial adenomatous polyposis 1 (FAP1). Also called: FAMILIAL ADENOMATOUS POLYPOSIS 1, ATTENUATED; POLYPOSIS, ADENOMATOUS INTESTINAL. Identifiers: MedGen C2713442, MONDO:0021056, OMIM 175100. Disease mechanism: loss of function.
Hereditary cancer-predisposing syndrome. Also called: Hereditary Cancer Syndrome; Hereditary neoplastic syndrome; Tumor predisposition; Neoplastic Syndromes, Hereditary. Identifiers: Orphanet 140162, MedGen C0027672, MeSH D009386, MONDO:0015356.

Allele frequency attached by ClinVar (database versions not stated): gnomAD 0.00001.
gnomAD v4.1: 1 of 1,610,818 alleles (0.000062%); highest among the groups gnomAD compares: Non-Finnish European, 0.000085%; no homozygotes.

Submissions (2):

Ambry Genetics
Classification: Uncertain significance for Hereditary cancer-predisposing syndrome. Last evaluated: 2025-10-26. Review status: criteria provided, single submitter. Criteria: Ambry Variant Classification Scheme 2023. Collection method: clinical testing. Allele origin: germline.
Comment: The p.N1815D variant (also known as c.5443A>G), located in coding exon 15 of the APC gene, results from an A to G substitution at nucleotide position 5443. The asparagine at codon 1815 is replaced by aspartic acid, an amino acid with highly similar properties. This amino acid position is conserved. In addition, in silico predictors for this gene do not accurately predict pathogenicity. Based on the available evidence, the clinical significance of this variant remains unclear.

Labcorp Genetics (formerly Invitae), Labcorp
Classification: Uncertain significance for Familial adenomatous polyposis 1. Last evaluated: 2024-04-06. Review status: criteria provided, single submitter. Criteria: Invitae Variant Classification Sherloc (09022015). Collection method: clinical testing. Allele origin: germline.
Comment: This sequence change replaces asparagine, which is neutral and polar, with aspartic acid, which is acidic and polar, at codon 1815 of the APC protein (p.Asn1815Asp). This variant is not present in population databases (gnomAD no frequency). This variant has not been reported in the literature in individuals affected with APC-related conditions. ClinVar contains an entry for this variant (Variation ID: 841441). Advanced modeling of protein sequence and biophysical properties (such as structural, functional, and spatial information, amino acid conservation, physicochemical variation, residue mobility, and thermodynamic stability) performed at Invitae indicates that this missense variant is not expected to disrupt APC protein function with a negative predictive value of 95%. In summary, the available evidence is currently insufficient to determine the role of this variant in disease. Therefore, it has been classified as a Variant of Uncertain Significance.

NM_000038.6(APC):c.5443A>G (p.Asn1815Asp)

Gene: APC (APC regulator of Wnt signaling pathway; plus strand). Cytogenetic location: 5q22.2.
Variant type: single nucleotide variant.
Coding change: c.5443A>G on transcript NM_000038.6 (MANE Select); coding-DNA position 5443, A replaced by G.
Protein change: p.Asn1815Asp; replaces asparagine 1815 with aspartic acid.
Molecular consequence: missense variant.
Genome position (GRCh38, 1-based): chr5:112,841,037, A>G. VCF-style: chr5-112841037-A-G. GRCh37 (hg19) VCF-style: chr5-112176734-A-G.
Other names: c.5320A>G, p.Asn1774Asp (NM_001354900.2); c.5266A>G, p.Asn1756Asp (NM_001354901.2); c.5170A>G, p.Asn1724Asp (NM_001354902.2); c.5140A>G, p.Asn1714Asp (NM_001354903.2); c.5065A>G, p.Asn1689Asp (NM_001354904.2); c.4963A>G, p.Asn1655Asp (NM_001354905.2); c.4594A>G, p.Asn1532Asp (NM_001354906.2); c.5443A>G, p.Asn1815Asp (NM_001127510.3, NM_001354895.2); and 5 more; short protein forms N1714D, N1774D, N1797D, N1833D, N1689D, N1790D, N1655D, N1724D.
Identifiers: ClinVar variation 841441 (VCV000841441.10), dbSNP rs1765955149, ClinGen allele CA16033233.